The following is an entry in ClinVar:

NM_001371623.1(TCOF1):c.814A>G (p.Ser272Gly)

Gene: TCOF1 (treacle ribosome biogenesis factor 1; plus strand). Cytogenetic location: 5q32.
Variant type: single nucleotide variant.
Coding change: c.814A>G on transcript NM_001371623.1 (MANE Select); coding-DNA position 814, A replaced by G.
Protein change: p.Ser272Gly; replaces serine 272 with glycine.
Molecular consequence: missense variant. On other transcripts: intron variant (2).
Genome position (GRCh38, 1-based): chr5:150,372,180, A>G. VCF-style: chr5-150372180-A-G. GRCh37 (hg19) VCF-style: chr5-149751743-A-G.
Other names: c.814A>G, p.Ser272Gly (NM_001008657.3, NM_001135243.2, NM_001135244.2 and 1 more transcripts); c.640-1994A>G (NM_001135245.2, NM_000356.4); short protein forms S272G.
Identifiers: ClinVar variation 1516867 (VCV001516867.6), dbSNP rs577953324, ClinGen allele CA129131763.

ClinVar aggregate classification (germline): Uncertain significance (1 of 4 stars; one submission).

Conditions:
Treacher Collins syndrome 1 (TCS1). Also called: TCOF1-Related Treacher Collins Syndrome. Identifiers: Orphanet 861, MedGen CN315775, MONDO:0007944, OMIM 154500.

Allele frequency attached by ClinVar (database versions not stated): gnomAD exomes below 0.00001; TOPMed below 0.00001.

Submission:

Labcorp Genetics (formerly Invitae), Labcorp
Classification: Uncertain significance for Treacher Collins syndrome 1. Last evaluated: 2021-11-27. Review status: criteria provided, single submitter. Criteria: Invitae Variant Classification Sherloc (09022015). Collection method: clinical testing. Allele origin: germline.
Comment: Algorithms developed to predict the effect of missense changes on protein structure and function are either unavailable or do not agree on the potential impact of this missense change (SIFT: "Tolerated"; PolyPhen-2: "Probably Damaging"; Align-GVGD: "Class C0"). This sequence change replaces serine, which is neutral and polar, with glycine, which is neutral and non-polar, at codon 272 of the TCOF1 protein (p.Ser272Gly). This variant is present in population databases (rs577953324, gnomAD 0.007%). This variant has not been reported in the literature in individuals affected with TCOF1-related conditions. In summary, the available evidence is currently insufficient to determine the role of this variant in disease. Therefore, it has been classified as a Variant of Uncertain Significance.